The following is an entry in ClinVar:

NM_032444.4(SLX4):c.5060C>G (p.Pro1687Arg)

Gene: SLX4 (SLX4 structure-specific endonuclease subunit; minus strand). Cytogenetic location: 16p13.3.
Variant type: single nucleotide variant.
Coding change: c.5060C>G on transcript NM_032444.4 (MANE Select); coding-DNA position 5060, C replaced by G.
Protein change: p.Pro1687Arg; replaces proline 1687 with arginine.
Molecular consequence: missense variant.
Genome position (GRCh38, 1-based): chr16:3,583,190, G>C on the plus strand (C>G on the coding strand, the complement: SLX4 is on the minus strand). VCF-style: chr16-3583190-G-C. GRCh37 (hg19) VCF-style: chr16-3633191-G-C.
Other names: c.5060C>G (LRG_503t1); short protein forms P1687R.
Identifiers: ClinVar variation 319144 (VCV000319144.21), dbSNP rs765960272, ClinGen allele CA7865437.

ClinVar aggregate classification (germline): Uncertain significance. Review status: criteria provided, multiple submitters, no conflicts (2 of 4 stars). 5 submissions from 5 submitters: Uncertain significance (5). Last evaluated 2026-01-27.

Conditions:
Fanconi anemia complementation group P. Also called: SLX4-Related Fanconi Anemia. Identifiers: Orphanet 84, MedGen C3469542, MONDO:0013499, OMIM 613951.
Fanconi anemia (FA). Also called: Fanconi's anemia. Identifiers: Orphanet 84, MedGen C0015625, MeSH D005199, MONDO:0019391.

Allele frequency attached by ClinVar (database versions not stated): gnomAD 0.00002 and 0.00008; gnomAD exomes 0.00005 and 0.00015; TOPMed 0.00008; ExAC 0.00013.

Submissions (5):

Labcorp Genetics (formerly Invitae), Labcorp
Classification: Uncertain significance for Fanconi anemia. Last evaluated: 2026-01-27. Review status: criteria provided, single submitter. Criteria: Invitae Variant Classification Sherloc (09022015). Collection method: clinical testing. Allele origin: germline.
Comment: This sequence change replaces proline, which is neutral and non-polar, with arginine, which is basic and polar, at codon 1687 of the SLX4 protein (p.Pro1687Arg). This variant is present in population databases (rs765960272, gnomAD 0.1%). This variant has not been reported in the literature in individuals affected with SLX4-related conditions. ClinVar contains an entry for this variant (Variation ID: 319144). An algorithm developed to predict the effect of missense changes on protein structure and function (PolyPhen-2) suggests that this variant is likely to be disruptive. In summary, the available evidence is currently insufficient to determine the role of this variant in disease. Therefore, it has been classified as a Variant of Uncertain Significance.

Fulgent Genetics
Classification: Uncertain significance for Fanconi anemia complementation group P. Last evaluated: 2024-04-23. Review status: criteria provided, single submitter. Criteria: ACMG Guidelines, 2015. Collection method: clinical testing. Allele origin: germline.

Blueprint Genetics
Classification: Uncertain significance. Last evaluated: 2021-12-31. Review status: criteria provided, single submitter. Criteria: ACMG Guidelines, 2015. Collection method: clinical testing. Allele origin: germline.

GeneDx
Classification: Uncertain significance. Last evaluated: 2020-10-20. Review status: criteria provided, single submitter. Criteria: GeneDx Variant Classification Process June 2021. Collection method: clinical testing. Allele origin: germline. Affected: yes.
Comment: In silico analysis, which includes protein predictors and evolutionary conservation, supports that this variant does not alter protein structure/function; This variant is associated with the following publications: (PMID: 29338689)

Illumina Laboratory Services, Illumina
Classification: Uncertain significance for Fanconi anemia complementation group P. Last evaluated: 2018-01-13. Review status: criteria provided, single submitter. Criteria: ICSL Variant Classification Criteria 13 December 2019. Collection method: clinical testing. Allele origin: germline.